The following is an entry in ClinVar:

NM_000548.5(TSC2):c.2484G>A (p.Val828=)

Gene: TSC2 (TSC complex subunit 2; plus strand). Cytogenetic location: 16p13.3.
Variant type: single nucleotide variant.
Coding change: c.2484G>A on transcript NM_000548.5 (MANE Select); coding-DNA position 2484, G replaced by A.
Protein change: p.Val828=; no amino-acid change (valine 828 retained).
Molecular consequence: synonymous variant.
Genome position (GRCh38, 1-based): chr16:2,074,328, G>A. VCF-style: chr16-2074328-G-A. GRCh37 (hg19) VCF-style: chr16-2124329-G-A.
Other names: c.2484G>A (NM_000548.4); c.2484G>A, p.Val828= (NM_001077183.3, NM_001114382.3, NM_001363528.2 and 3 more transcripts); c.2373G>A, p.Val791= (NM_001318827.2); c.2337G>A, p.Val779= (NM_001318829.2); c.1884G>A, p.Val628= (NM_001318831.2); c.2517G>A, p.Val839= (NM_001318832.2).
Identifiers: ClinVar variation 467947 (VCV000467947.49), dbSNP rs780395534, ClinGen allele CA039180.

ClinVar aggregate classification (germline): Benign/Likely benign. Review status: criteria provided, multiple submitters, no conflicts (2 of 4 stars). 9 submissions from 9 submitters: Benign (2); Likely benign (7). Last evaluated 2025-07-23.

Conditions:
Hereditary cancer-predisposing syndrome. Also called: Hereditary neoplastic syndrome; Tumor predisposition; Neoplastic Syndromes, Hereditary; Hereditary Cancer Syndrome. Identifiers: Orphanet 140162, MedGen C0027672, MeSH D009386, MONDO:0015356.
Tuberous sclerosis 2 (TSC2). Identifiers: Orphanet 805, MedGen C1860707, MONDO:0013199, OMIM 613254.

Allele frequency attached by ClinVar (database versions not stated): ExAC 0.00001; gnomAD exomes 0.00001 and 0.00002.

Submissions (9):

Quest Diagnostics Nichols Institute San Juan Capistrano
Classification: Likely benign. Last evaluated: 2025-07-23. Review status: criteria provided, single submitter. Criteria: Quest Diagnostics criteria. Collection method: clinical testing. Allele origin: unknown.

Myriad Genetics, Inc.
Classification: Benign for Tuberous sclerosis 2. Last evaluated: 2025-05-20. Review status: criteria provided, single submitter. Criteria: Myriad Autosomal Dominant, Autosomal Recessive and X-Linked Classification Criteria (2023). Collection method: clinical testing. Allele origin: unknown.
Comment: This variant is considered benign. This variant is a silent/synonymous amino acid change and it is not expected to impact splicing.

Labcorp Genetics (formerly Invitae), Labcorp
Classification: Likely benign for Tuberous sclerosis 2. Last evaluated: 2025-03-31. Review status: criteria provided, single submitter. Criteria: Invitae Variant Classification Sherloc (09022015). Collection method: clinical testing. Allele origin: germline.

Ambry Genetics
Classification: Likely benign for Hereditary cancer-predisposing syndrome. Last evaluated: 2024-03-14. Review status: criteria provided, single submitter. Criteria: Ambry Variant Classification Scheme 2023. Collection method: clinical testing. Allele origin: germline.

KCCC/NGS Laboratory, Kuwait Cancer Control Center
Classification: Likely benign for Tuberous sclerosis 2. Last evaluated: 2023-07-07. Review status: criteria provided, single submitter. Criteria: ACMG Guidelines, 2015. Collection method: clinical testing. Allele origin: germline. Affected: yes.

Blueprint Genetics
Classification: Likely benign. Last evaluated: 2023-03-16. Review status: criteria provided, single submitter. Criteria: ACMG Guidelines, 2015. Collection method: clinical testing. Allele origin: germline.

CeGaT Center for Human Genetics Tuebingen
Classification: Likely benign. Last evaluated: 2022-06-01. Review status: criteria provided, single submitter. Criteria: CeGaT Center For Human Genetics Tuebingen Variant Classification Criteria Version 2. Collection method: clinical testing. Allele origin: germline. Affected: yes. Observed: 1 variant allele.
Comment: TSC2: BP4, BP7

Genome-Nilou Lab
Classification: Benign for Tuberous sclerosis 2. Last evaluated: 2021-11-07. Review status: criteria provided, single submitter. Criteria: ACMG Guidelines, 2015. Collection method: clinical testing. Allele origin: germline. Affected: no.

GeneDx
Classification: Likely benign. Last evaluated: 2021-03-15. Review status: criteria provided, single submitter. Criteria: GeneDx Variant Classification Process June 2021. Collection method: clinical testing. Allele origin: germline. Affected: yes.
Comment: Has not been previously published as pathogenic or benign to our knowledge; In silico analysis, which includes splice predictors and evolutionary conservation, suggests this variant may impact gene splicing. In the absence of RNA/functional studies, the actual effect of this sequence change is unknown.